The following is an entry in ClinVar:

ClinVar aggregate classification (germline): Pathogenic/Likely pathogenic. Review status: criteria provided, multiple submitters, no conflicts (2 of 4 stars). 4 submissions from 4 submitters: Pathogenic (1); Likely pathogenic (3). Last evaluated 2026-10-09.

Conditions:
TSHR-related disorder. Also called: TSHR-related condition; TSHR-related disorders.

gnomAD v4.1: 16 of 1,613,106 alleles (0.00099%); highest among the groups gnomAD compares: African/African-American, 0.0013%; no homozygotes.

Submissions (4):

GeneDx
Classification: Likely pathogenic. Last evaluated: 2026-10-09. Review status: criteria provided, single submitter. Criteria: GeneDx Variant Classification Process June 2021. Collection method: clinical testing. Allele origin: germline.
Comment: Nonsense variant predicted to result in protein truncation, as the last 259 amino acids are lost, and other loss-of-function variants have been reported downstream in HGMD; Not observed at significant frequency in large population cohorts (gnomAD); Has not been previously published as pathogenic or benign in association with a TSHR-related disorder to our knowledge; This variant is associated with the following publications: (PMID: 34200080, 35177841)

Dasa
Classification: Likely pathogenic. Last evaluated: 2026-03-02. Review status: criteria provided, single submitter. Criteria: DASA Assertion Criteria. Collection method: clinical testing. Allele origin: germline.
Comment: NM_000369.5(TSHR):c.1516G>T (p.Glu506*) is a nonsense variant in TSHR predicted to introduce a premature termination codon and is predicted to result in an absent or altered protein product. Loss of function is an established disease mechanism for TSHR-associated disorders. This variant has been recurrently observed in individuals with TSHR-related disorders (PMID: 8954020; PMID: 9100579; PMID: 12629076; PMID: 14725684). Also, this variant is rare in population databases. Based on the currently available evidence, this variant is classified as likely pathogenic.

Labcorp Genetics (formerly Invitae), Labcorp
Classification: Pathogenic. Last evaluated: 2023-12-31. Review status: criteria provided, single submitter. Criteria: Invitae Variant Classification Sherloc (09022015). Collection method: clinical testing. Allele origin: germline.
Comment: This sequence change creates a premature translational stop signal (p.Glu506*) in the TSHR gene. While this is not anticipated to result in nonsense mediated decay, it is expected to disrupt the last 259 amino acid(s) of the TSHR protein. This variant is present in population databases (no rsID available, gnomAD 0.0009%). This variant has not been reported in the literature in individuals affected with TSHR-related conditions. This variant disrupts a region of the TSHR protein in which other variant(s) (p.Trp546*) have been determined to be pathogenic (PMID: 8954020, 9100579, 12629076, 14725684). This suggests that this is a clinically significant region of the protein, and that variants that disrupt it are likely to be disease-causing. For these reasons, this variant has been classified as Pathogenic.

Blueprint Genetics
Classification: Likely pathogenic for TSHR-related disorders. Last evaluated: 2020-06-03. Review status: criteria provided, single submitter. Criteria: ACMG Guidelines, 2015. Collection method: clinical testing. Allele origin: germline. Affected: yes. Observed: 1 variant allele.

Literature cited by the submitters: PubMed 8954020 (cited by Dasa and Labcorp Genetics (formerly Invitae), Labcorp); PubMed 9100579 (cited by Dasa and Labcorp Genetics (formerly Invitae), Labcorp); PubMed 12629076 (cited by Dasa and Labcorp Genetics (formerly Invitae), Labcorp); PubMed 14725684 (cited by Dasa and Labcorp Genetics (formerly Invitae), Labcorp).

NM_000369.5(TSHR):c.1516G>T (p.Glu506Ter)

Genes: TSHR (thyroid stimulating hormone receptor; plus strand), TSHR-AS1 (TSHR antisense RNA 1; minus strand). Cytogenetic location: 14q31.1.
Variant type: single nucleotide variant.
Coding change: c.1516G>T on transcript NM_000369.5 (MANE Select); coding-DNA position 1516, G replaced by T.
Protein change: p.Glu506Ter; replaces glutamic acid 506 with a stop codon.
Molecular consequence: nonsense.
Genome position (GRCh38, 1-based): chr14:81,143,574, G>T. VCF-style: chr14-81143574-G-T. GRCh37 (hg19) VCF-style: chr14-81609918-G-T.
Other names: short protein forms E506*.
Identifiers: ClinVar variation 2902030 (VCV002902030.8), dbSNP rs762048531, ClinGen allele CA390728066.